The following is an entry in ClinVar:

ClinVar aggregate classification (germline): Uncertain significance (1 of 4 stars; one submission).

Submission:

Labcorp Genetics (formerly Invitae), Labcorp
Classification: Uncertain significance. Last evaluated: 2025-03-31. Review status: criteria provided, single submitter. Criteria: Invitae Variant Classification Sherloc (09022015). Collection method: clinical testing. Allele origin: germline.
Comment: This sequence change replaces glycine, which is neutral and non-polar, with arginine, which is basic and polar, at codon 147 of the DDX58 protein (p.Gly147Arg). This variant is not present in population databases (gnomAD no frequency). This variant has not been reported in the literature in individuals affected with DDX58-related conditions. An algorithm developed to predict the effect of missense changes on protein structure and function (PolyPhen-2) suggests that this variant is likely to be disruptive. In summary, the available evidence is currently insufficient to determine the role of this variant in disease. Therefore, it has been classified as a Variant of Uncertain Significance.

NM_014314.4(RIGI):c.439G>A (p.Gly147Arg)

Gene: RIGI (RNA sensor RIG-I; minus strand). Cytogenetic location: 9p21.1.
Variant type: single nucleotide variant.
Coding change: c.439G>A on transcript NM_014314.4 (MANE Select); coding-DNA position 439, G replaced by A.
Protein change: p.Gly147Arg; replaces glycine 147 with arginine.
Molecular consequence: missense variant. On other transcripts: 5 prime UTR variant (2), intron variant (1).
Genome position (GRCh38, 1-based): chr9:32,492,523, C>T on the plus strand (G>A on the coding strand, the complement: RIGI is on the minus strand). VCF-style: chr9-32492523-C-T. GRCh37 (hg19) VCF-style: chr9-32492521-C-T.
Other names: c.439G>A, p.Gly147Arg (NM_001385907.1, NM_001385909.1); c.-3G>A (NM_001385910.1, NM_001385914.1); c.424G>A, p.Gly142Arg (NM_001385913.1); c.-38-1103G>A (NM_001385912.1); short protein forms G142R, G147R.
Identifiers: ClinVar variation 4716378 (VCV004716378.1).
Genomic context (GRCh38, chr9:32,492,523, plus strand): 5'-AGTTTTCCTTGTCTGATCTGAGAAGGCATTCCACCAATTTCTCTGCACCTGCCATCATCC[C>T]CTTAGTAGAGCAAATCTAAGCAAGGTAACTGTAGTTTATTGATCAATTATCTCAAAAGTT-3'
Protein context (NP_055129.2, residues 137-157): EEILQICSTK[Gly147Arg]MMAGAEKLVE